The following is an entry in ClinVar:

ClinVar aggregate classification (germline): Uncertain significance. Review status: criteria provided, multiple submitters, no conflicts (2 of 4 stars). 2 submissions from 2 submitters: Uncertain significance (2). Last evaluated 2025-02-10.

Conditions:
Hereditary cancer-predisposing syndrome. Also called: Hereditary Cancer Syndrome; Tumor predisposition; Hereditary neoplastic syndrome; Neoplastic Syndromes, Hereditary. Identifiers: Orphanet 140162, MedGen C0027672, MeSH D009386, MONDO:0015356.

Allele frequency attached by ClinVar (database versions not stated): gnomAD exomes below 0.00001.
gnomAD v4.1: 5 of 1,613,732 alleles (0.00031%); highest among the groups gnomAD compares: Non-Finnish European, 0.00042%; no homozygotes.

Submissions (2):

Ambry Genetics
Classification: Uncertain significance for Hereditary cancer-predisposing syndrome. Last evaluated: 2025-02-10. Review status: criteria provided, single submitter. Criteria: Ambry Variant Classification Scheme 2023. Collection method: clinical testing. Allele origin: germline.
Comment: The p.S103R variant (also known as c.309C>G), located in coding exon 3 of the XRCC2 gene, results from a C to G substitution at nucleotide position 309. The serine at codon 103 is replaced by arginine, an amino acid with dissimilar properties. This amino acid position is conserved. In addition, this alteration is predicted to be tolerated by in silico analysis. Based on the available evidence, the clinical significance of this variant remains unclear.

Labcorp Genetics (formerly Invitae), Labcorp
Classification: Uncertain significance. Last evaluated: 2018-10-03. Review status: criteria provided, single submitter. Criteria: Invitae Variant Classification Sherloc (09022015). Collection method: clinical testing. Allele origin: germline.
Comment: In summary, the available evidence is currently insufficient to determine the role of this variant in disease. Therefore, it has been classified as a Variant of Uncertain Significance. Algorithms developed to predict the effect of sequence changes on RNA splicing suggest that this variant may create or strengthen a splice site, but this prediction has not been confirmed by published transcriptional studies. Algorithms developed to predict the effect of missense changes on protein structure and function are either unavailable or do not agree on the potential impact of this missense change (SIFT: "Deleterious"; PolyPhen-2: "Benign"; Align-GVGD: "Class C15"). This variant has not been reported in the literature in individuals with XRCC2-related disease. This variant is not present in population databases (ExAC no frequency). This sequence change replaces serine with arginine at codon 103 of the XRCC2 protein (p.Ser103Arg). The serine residue is highly conserved and there is a moderate physicochemical difference between serine and arginine.

NM_005431.2(XRCC2):c.309C>G (p.Ser103Arg)

Gene: XRCC2 (X-ray repair cross complementing 2; minus strand). Cytogenetic location: 7q36.1.
Variant type: single nucleotide variant.
Coding change: c.309C>G on transcript NM_005431.2 (MANE Select); coding-DNA position 309, C replaced by G.
Protein change: p.Ser103Arg; replaces serine 103 with arginine.
Molecular consequence: missense variant.
Genome position (GRCh38, 1-based): chr7:152,649,176, G>C on the plus strand (C>G on the coding strand, the complement: XRCC2 is on the minus strand). VCF-style: chr7-152649176-G-C. GRCh37 (hg19) VCF-style: chr7-152346261-G-C.
Other names: short protein forms S103R.
Identifiers: ClinVar variation 646190 (VCV000646190.9), dbSNP rs1590129653, ClinGen allele CA370198985.
Genomic context (GRCh38, chr7:152,649,176, plus strand): 5'-GCTACTACTGCAGTACACCAAAAAAAATCTTCCCAGGCAGTATTTGATTATTTCTTCAGA[G>C]CTTTGGGATAGTCTGTGCTCAAGAATTGTAACTAGCCGGAGCATATCAAAGTGGTAATCT-3'
Protein context (NP_005422.1, residues 93-113): VTILEHRLSQ[Ser103Arg]SEEIIKYCLG